The following is an entry in ClinVar:

ClinVar aggregate classification (germline): Pathogenic (1 of 4 stars; one submission).

Conditions:
Cone-rod dystrophy 13 (CORD13). Identifiers: Orphanet 1872, MedGen C2750720, MONDO:0011987, OMIM 608194.
Leber congenital amaurosis 6 (LCA6). Identifiers: Orphanet 65, MedGen C1854260, MONDO:0013446, OMIM 613826.

Submission:

Labcorp Genetics (formerly Invitae), Labcorp
Classification: Pathogenic for Leber congenital amaurosis 6; Cone-rod dystrophy 13. Last evaluated: 2021-12-21. Review status: criteria provided, single submitter. Criteria: Invitae Variant Classification Sherloc (09022015). Collection method: clinical testing. Allele origin: germline.
Comment: For these reasons, this variant has been classified as Pathogenic. This variant is also known as c.1083_1084insGA. This premature translational stop signal has been observed in individual(s) with clinical features of Leber congenital amaurosis (PMID: 23847139). This variant is not present in population databases (gnomAD no frequency). This sequence change creates a premature translational stop signal (p.Val364Glufs*12) in the RPGRIP1 gene. It is expected to result in an absent or disrupted protein product. Loss-of-function variants in RPGRIP1 are known to be pathogenic (PMID: 11528500, 23105016).

Literature cited by the submitters: PubMed 23847139; PubMed 11528500; PubMed 23105016.

NM_020366.4(RPGRIP1):c.1089_1090dup (p.Val364fs)

Gene: RPGRIP1 (RPGR interacting protein 1; plus strand). Cytogenetic location: 14q11.2.
Variant type: Microsatellite.
Coding change: c.1089_1090dup on transcript NM_020366.4 (MANE Select); coding-DNA positions 1089 to 1090, 2 bases duplicated (AG; older notation c.1089_1090dupAG).
Protein change: p.Val364fs; shifts the reading frame from valine 364.
Molecular consequence: frameshift variant.
Genome position (GRCh38, 1-based): chr14:21,312,444-21,312,445, AG duplicated; duplicating any 2 consecutive bases within chr14:21,312,439-21,312,445 gives the same sequence; the c. name uses the placement nearest the transcript's 3' end. VCF-style (leftmost placement, unchanged base first): chr14-21312438-G-GGA. GRCh37 (hg19) VCF-style: chr14-21780597-G-GGA.
Other names: short protein forms V364fs.
Identifiers: ClinVar variation 1458554 (VCV001458554.8), dbSNP rs768719934, ClinGen allele CA2580616548.